The following is an entry in ClinVar:

NM_000702.4(ATP1A2):c.2440-26C>T

Gene: ATP1A2 (ATPase Na+/K+ transporting subunit alpha 2; plus strand). Cytogenetic location: 1q23.2.
Variant type: single nucleotide variant.
Coding change: c.2440-26C>T on transcript NM_000702.4 (MANE Select); 26 bases into the intron before coding-DNA position 2440, C replaced by T.
Molecular consequence: intron variant.
Genome position (GRCh38, 1-based): chr1:160,136,221, C>T. VCF-style: chr1-160136221-C-T. GRCh37 (hg19) VCF-style: chr1-160106011-C-T.
Identifiers: ClinVar variation 673206 (VCV000673206.1), dbSNP rs139806083, ClinGen allele CA1194750.

ClinVar aggregate classification (germline): Likely benign (1 of 4 stars; one submission).

Allele frequency attached by ClinVar (database versions not stated): gnomAD exomes 0.00105 and 0.00260; ExAC 0.00313; ESP Exome Variant Server 0.01046; gnomAD 0.01079 and 0.01158; TOPMed 0.01208; 1000 Genomes Project 0.01318; 1000 Genomes Project 30x 0.01359.
gnomAD v4.1: 3,265 of 1,614,030 alleles (0.2%); highest among the groups gnomAD compares: African/African-American, 3.6%; 62 homozygotes.

Submission:

GeneDx
Classification: Likely benign. Last evaluated: 2018-06-19. Review status: criteria provided, single submitter. Criteria: GeneDx Variant Classification (06012015). Collection method: clinical testing. Allele origin: germline. Affected: yes.
Comment: This variant is considered likely benign or benign based on one or more of the following criteria: it is a conservative change, it occurs at a poorly conserved position in the protein, it is predicted to be benign by multiple in silico algorithms, and/or has population frequency not consistent with disease.